The following is an entry in ClinVar:

ClinVar aggregate classification (germline): Uncertain significance (1 of 4 stars; one submission).

Conditions:
Charcot-Marie-Tooth disease type 4A. Also called: Charcot-Marie-Tooth disease, demyelinating, autosomal recessive, type 4a. Identifiers: Orphanet 99948, MedGen C1859198, MONDO:0008961, OMIM 214400.

Submission:

Labcorp Genetics (formerly Invitae), Labcorp
Classification: Uncertain significance for Charcot-Marie-Tooth disease type 4A. Last evaluated: 2023-07-07. Review status: criteria provided, single submitter. Criteria: Invitae Variant Classification Sherloc (09022015). Collection method: clinical testing. Allele origin: germline.
Comment: This variant is not present in population databases (gnomAD no frequency). In summary, the available evidence is currently insufficient to determine the role of this variant in disease. Therefore, it has been classified as a Variant of Uncertain Significance. An algorithm developed to predict the effect of missense changes on protein structure and function (PolyPhen-2) suggests that this variant is likely to be disruptive. ClinVar contains an entry for this variant (Variation ID: 2001343). This missense change has been observed in individual(s) with clinical features of autosomal recessive Charcot-Marie-Tooth disease (Invitae). In at least one individual the data is consistent with being in trans (on the opposite chromosome) from a pathogenic variant. This sequence change replaces leucine, which is neutral and non-polar, with valine, which is neutral and non-polar, at codon 60 of the GDAP1 protein (p.Leu60Val).

NM_018972.4(GDAP1):c.178T>G (p.Leu60Val)

Gene: GDAP1 (ganglioside induced differentiation associated protein 1; plus strand). Cytogenetic location: 8q21.11.
Variant type: single nucleotide variant.
Coding change: c.178T>G on transcript NM_018972.4 (MANE Select); coding-DNA position 178, T replaced by G.
Protein change: p.Leu60Val; replaces leucine 60 with valine.
Molecular consequence: missense variant. On other transcripts: 5 prime UTR variant (1), intron variant (2).
Genome position (GRCh38, 1-based): chr8:74,351,334, T>G. VCF-style: chr8-74351334-T-G. GRCh37 (hg19) VCF-style: chr8-75263569-T-G.
Other names: c.-27T>G (NM_001040875.4); c.178T>G, p.Leu60Val (NM_001362930.2, NM_001362931.2); c.-18+13T>G (NM_001362929.2); c.-18+756T>G (NM_001362932.2); short protein forms L60V.
Identifiers: ClinVar variation 2001343 (VCV002001343.4), dbSNP rs1202261025, ClinGen allele CA371499365.